The following is an entry in ClinVar:

NM_012471.3(TRPC5):c.582C>T (p.Arg194=)

Gene: TRPC5 (transient receptor potential cation channel subfamily C member 5; minus strand). Cytogenetic location: Xq23.
Variant type: single nucleotide variant.
Coding change: c.582C>T on transcript NM_012471.3 (MANE Select); coding-DNA position 582, C replaced by T.
Protein change: p.Arg194=; no amino-acid change (arginine 194 retained).
Molecular consequence: synonymous variant.
Genome position (GRCh38, 1-based): chrX:111,912,609, G>A on the plus strand (C>T on the coding strand, the complement: TRPC5 is on the minus strand). VCF-style: chrX-111912609-G-A. GRCh37 (hg19) VCF-style: chrX-111155837-G-A.
Identifiers: ClinVar variation 4982759 (VCV004982759.1).
Genomic context (GRCh38, chrX:111,912,609, plus strand): 5'-CTCACTTGATAAGGCAATGAGTGAGGGGCTTGCCAGAGCCTTATAGATGTTCAGTCGGGA[G>A]CGAGAGTGGCGCAGGCTGTCTACCTCTGAACTAGACACACACTCCACACAGTTGCAGCGG-3'
Protein context (NP_036603.1, residues 184-204): SSEVDSLRHS[Arg194=]SRLNIYKALA

ClinVar aggregate classification (germline): Likely benign (1 of 4 stars; one submission).

Conditions:
TRPC5-related disorder. Also called: TRPC5-related condition.

gnomAD v4.1: 6 of 1,209,461 alleles (0.0005%); highest among the groups gnomAD compares: African/African-American, 0.011%; no homozygotes.

Submission:

PreventionGenetics, part of Exact Sciences
Classification: Likely benign for TRPC5-related condition. Last evaluated: 2025-08-03. Review status: criteria provided, single submitter. Criteria: ACMG Guidelines, 2015. Collection method: clinical testing. Allele origin: germline.
Comment: This variant is classified as likely benign based on ACMG/AMP sequence variant interpretation guidelines (Richards et al. 2015 PMID: 25741868, with internal and published modifications).